The following is an entry in ClinVar:

ClinVar aggregate classification (germline): Benign/Likely benign. Review status: criteria provided, multiple submitters, no conflicts (2 of 4 stars). 4 submissions from 4 submitters: Benign (1); Likely benign (3). Last evaluated 2025-10-22.

Conditions:
Familial cancer of breast. Also called: Hereditary breast cancer; BREAST CANCER, FAMILIAL; hereditary breast carcinoma. Identifiers: Orphanet 227535, MedGen C0346153, MONDO:0016419, OMIM 114480. Disease mechanism: loss of function.
Hereditary cancer-predisposing syndrome. Also called: Tumor predisposition; Neoplastic Syndromes, Hereditary; Hereditary Cancer Syndrome; Hereditary neoplastic syndrome. Identifiers: Orphanet 140162, MedGen C0027672, MeSH D009386, MONDO:0015356.
Ataxia-telangiectasia syndrome (AT). Also called: ATAXIA-TELANGIECTASIA, COMPLEMENTATION GROUP A; ATAXIA-TELANGIECTASIA, FRESNO VARIANT; Ataxia-telangiectasia; Ataxia-telangiectasia, complementation group D; AT, COMPLEMENTATION GROUP C; Ataxia-telangiectasia, complementation group E. Identifiers: Orphanet 100, MedGen C0004135, MONDO:0008840, OMIM 208900.

Allele frequency attached by ClinVar (database versions not stated): TOPMed below 0.00001.

Submissions (4):

Labcorp Genetics (formerly Invitae), Labcorp
Classification: Likely benign for Ataxia-telangiectasia syndrome. Last evaluated: 2025-10-22. Review status: criteria provided, single submitter. Criteria: Invitae Variant Classification Sherloc (09022015). Collection method: clinical testing. Allele origin: germline.

Myriad Genetics, Inc.
Classification: Benign for Familial cancer of breast. Last evaluated: 2024-05-24. Review status: criteria provided, single submitter. Criteria: Myriad Autosomal Dominant, Autosomal Recessive and X-Linked Classification Criteria (2023). Collection method: clinical testing. Allele origin: unknown.
Comment: This variant is considered benign. This variant is a silent/synonymous amino acid change and it is not expected to impact splicing.

Color Diagnostics, LLC DBA Color Health
Classification: Likely benign for Hereditary cancer-predisposing syndrome. Last evaluated: 2020-03-24. Review status: criteria provided, single submitter. Criteria: ACMG Guidelines, 2015. Collection method: clinical testing. Allele origin: germline.

Ambry Genetics
Classification: Likely benign for Hereditary cancer-predisposing syndrome. Last evaluated: 2018-03-27. Review status: criteria provided, single submitter. Criteria: Ambry Variant Classification Scheme 2023. Collection method: clinical testing. Allele origin: germline.

NM_000051.4(ATM):c.5784T>C (p.Phe1928=)

Genes: ATM (ATM serine/threonine kinase; plus strand), C11orf65 (chromosome 11 open reading frame 65; minus strand). Cytogenetic location: 11q22.3.
Variant type: single nucleotide variant.
Coding change: c.5784T>C on transcript NM_000051.4 (MANE Select); coding-DNA position 5784, T replaced by C.
Protein change: p.Phe1928=; no amino-acid change (phenylalanine 1928 retained).
Molecular consequence: synonymous variant. On other transcripts: intron variant (2).
Genome position (GRCh38, 1-based): chr11:108,310,181, T>C. VCF-style: chr11-108310181-T-C. GRCh37 (hg19) VCF-style: chr11-108180908-T-C.
Other names: c.5784T>C, p.Phe1928= (NM_001351834.2); c.641-1110A>G (NM_001330368.2); c.*39-1110A>G (NM_001351110.2).
Identifiers: ClinVar variation 825969 (VCV000825969.54), dbSNP rs1290871799, ClinGen allele CA476675447.
Genomic context (GRCh38, chr11:108,310,181, plus strand): 5'-TTAAAAAAGTGAATGACATTATATCTCATTTTTCTTTAGACCTTCTTCAGGAACAATTTT[T>C]AATGATGCTTTCTGGCTGGATTTAAATTATCTAGAAGTTGCCAAGGTAGCTCAGTCTTGT-3'
Protein context (NP_000042.3, residues 1918-1938): RQKRPSSGTI[Phe1928=]NDAFWLDLNY